The following is an entry in ClinVar:

NM_015001.3(SPEN):c.2351G>A (p.Arg784His)

Gene: SPEN (spen family transcriptional repressor; plus strand). Cytogenetic location: 1p36.13.
Variant type: single nucleotide variant.
Coding change: c.2351G>A on transcript NM_015001.3 (MANE Select); coding-DNA position 2351, G replaced by A.
Protein change: p.Arg784His; replaces arginine 784 with histidine.
Molecular consequence: missense variant.
Genome position (GRCh38, 1-based): chr1:15,928,591, G>A. VCF-style: chr1-15928591-G-A. GRCh37 (hg19) VCF-style: chr1-16255086-G-A.
Other names: short protein forms R784H.
Identifiers: ClinVar variation 3376220 (VCV003376220.1).

ClinVar aggregate classification (germline): Uncertain significance (1 of 4 stars; one submission).

Conditions:
Radio-Tartaglia syndrome. Identifiers: Orphanet 662234, MedGen C5543339, MONDO:0859143, OMIM 619312.

Submission:

Pittsburgh Clinical Genomics Laboratory, University of Pittsburgh Medical Center
Classification: Uncertain significance for Radio-Tartaglia syndrome. Last evaluated: 2022-07-21. Review status: criteria provided, single submitter. Criteria: ACMG Guidelines, 2015. Collection method: clinical testing. Allele origin: germline. Inheritance: Autosomal dominant inheritance. Affected: yes.
Comment: This sequence variant is a single nucleotide substitution (G>A) at coding position 2351 of the SPEN gene that results in a arginine to histidine amino acid change at residue 784 of the SPEN protein. This variant has not been previously reported in databases of clinically annotated variants (ClinVar) or observed in the literature in individuals with SPEN-related disease, to our knowledge. This variant is present in control population datasets (gnomAD database, 54 alleles of 282504 or 0.02%), suggesting that this variant may be benign. Bioinformatic tools predict that this variant would be tolerated; however, the Arg784 residue is highly conserved across the vertebrate species examined. Functiol studies testing the effect of this variant on protein structure or activity have not been performed, to our knowledge. At this time, there is insufficient evidence to determine if this variant is pathogenic or benign. Therefore, we consider this to be a variant of uncertain significance. ACMG Criteria: BS1